The following is an entry in ClinVar:

ClinVar aggregate classification (germline): Pathogenic (1 of 4 stars; one submission).

Conditions:
Primary ciliary dyskinesia. Also called: Ciliary dyskinesia. Identifiers: Orphanet 244, MedGen C0008780, MONDO:0016575, HP:0012265.

Submission:

Labcorp Genetics (formerly Invitae), Labcorp
Classification: Pathogenic for Primary ciliary dyskinesia. Last evaluated: 2022-05-03. Review status: criteria provided, single submitter. Criteria: Invitae Variant Classification Sherloc (09022015). Collection method: clinical testing. Allele origin: germline.
Comment: This variant is not present in population databases (gnomAD no frequency). This sequence change creates a premature translational stop signal (p.Val3156Glyfs*2) in the DNAH5 gene. It is expected to result in an absent or disrupted protein product. Loss-of-function variants in DNAH5 are known to be pathogenic (PMID: 11788826, 16627867). This variant has not been reported in the literature in individuals affected with DNAH5-related conditions. For these reasons, this variant has been classified as Pathogenic.

Literature cited by the submitters: PubMed 11788826; PubMed 16627867.

NM_001369.3(DNAH5):c.9465_9466del (p.Val3156fs)

Gene: DNAH5 (dynein axonemal heavy chain 5; minus strand). Cytogenetic location: 5p15.2.
Variant type: Deletion.
Coding change: c.9465_9466del on transcript NM_001369.3 (MANE Select); coding-DNA positions 9465 to 9466, 2 bases deleted (GG; older notation c.9465_9466delGG).
Protein change: p.Val3156fs; shifts the reading frame from valine 3156.
Molecular consequence: frameshift variant.
Genome position (GRCh38, 1-based): chr5:13,770,888-13,770,889, CC deleted on the plus strand (GG on the coding strand, the reverse complement: DNAH5 is on the minus strand); deleting any 2 consecutive bases within chr5:13,770,888-13,770,891 gives the same sequence; the c. name uses the placement nearest the transcript's 3' end. VCF-style (leftmost placement, unchanged base first): chr5-13770887-ACC-A. GRCh37 (hg19) VCF-style: chr5-13770996-ACC-A.
Other names: short protein forms V3156fs.
Identifiers: ClinVar variation 1916789 (VCV001916789.5), dbSNP rs2546663331, ClinGen allele CA2580072363.